The following is an entry in ClinVar:

NM_031935.3(HMCN1):c.6287T>A (p.Ile2096Asn)

Gene: HMCN1 (hemicentin 1; plus strand). Cytogenetic location: 1q31.1.
Variant type: single nucleotide variant.
Coding change: c.6287T>A on transcript NM_031935.3 (MANE Select); coding-DNA position 6287, T replaced by A.
Protein change: p.Ile2096Asn; replaces isoleucine 2096 with asparagine.
Molecular consequence: missense variant.
Genome position (GRCh38, 1-based): chr1:186,041,119, T>A. VCF-style: chr1-186041119-T-A. GRCh37 (hg19) VCF-style: chr1-186010251-T-A.
Other names: short protein forms I2096N.
Identifiers: ClinVar variation 709714 (VCV000709714.14), dbSNP rs114669703, ClinGen allele CA1292514.

ClinVar aggregate classification (germline): Likely benign. Review status: criteria provided, multiple submitters, no conflicts (2 of 4 stars). 4 submissions from 4 submitters: Likely benign (4). Last evaluated 2026-01-12.

Conditions:
Age related macular degeneration 1 (ARMD1). Also called: MACULOPATHY, AGE-RELATED, 1. Identifiers: MedGen C1864205, MONDO:0011285, OMIM 603075.

Allele frequency attached by ClinVar (database versions not stated): gnomAD exomes 0.00072; ExAC 0.00080; gnomAD 0.00238 and 0.00259; ESP Exome Variant Server 0.00277; 1000 Genomes Project 0.00280; TOPMed 0.00293; 1000 Genomes Project 30x 0.00375.
gnomAD v4.1: 749 of 1,612,846 alleles (0.046%); highest among the groups gnomAD compares: African/African-American, 0.84%; no homozygotes.

Submissions (4):

Labcorp Genetics (formerly Invitae), Labcorp
Classification: Likely benign. Last evaluated: 2026-01-12. Review status: criteria provided, single submitter. Criteria: Invitae Variant Classification Sherloc (09022015). Collection method: clinical testing. Allele origin: germline.

Genome-Nilou Lab
Classification: Likely benign for Age related macular degeneration 1. Last evaluated: 2023-04-11. Review status: criteria provided, single submitter. Criteria: ACMG Guidelines, 2015. Collection method: clinical testing. Allele origin: germline. Affected: no.

Illumina Laboratory Services, Illumina
Classification: Likely benign for Age related macular degeneration 1. Last evaluated: 2018-01-12. Review status: criteria provided, single submitter. Criteria: ICSL Variant Classification Criteria 13 December 2019. Collection method: clinical testing. Allele origin: germline.
Comment: This variant was observed in the ICSL laboratory as part of a predisposition screen in an ostensibly healthy population. It had not been previously curated by ICSL or reported in the Human Gene Mutation Database (HGMD: prior to June 1st, 2018), and was therefore a candidate for classification through an automated scoring system. Utilizing variant allele frequency, disease prevalence and penetrance estimates, and inheritance mode, an automated score was calculated to assess if this variant is too frequent to cause the disease. Based on the score and internal cut-off values, a variant classified as likely benign is not then subjected to further curation. The score for this variant resulted in a classification of likely benign for this disease.

Breakthrough Genomics
Classification: Likely benign. Review status: criteria provided, single submitter. Criteria: ACMG Guidelines, 2015. Collection method: not provided. Allele origin: germline. Inheritance: Autosomal dominant inheritance. Affected: yes.